The following is an entry in ClinVar:

NM_178000.3(PTPA):c.213C>T (p.Ser71=)

Gene: PTPA (protein phosphatase 2 phosphatase activator; plus strand). Cytogenetic location: 9q34.11.
Variant type: single nucleotide variant.
Coding change: c.213C>T on transcript NM_178000.3 (MANE Select); coding-DNA position 213, C replaced by T.
Protein change: p.Ser71=; no amino-acid change (serine 71 retained).
Molecular consequence: synonymous variant. On other transcripts: intron variant (1).
Genome position (GRCh38, 1-based): chr9:129,123,135, C>T. VCF-style: chr9-129123135-C-T. GRCh37 (hg19) VCF-style: chr9-131885414-C-T.
Other names: c.108C>T, p.Ser36= (NM_001193397.2); c.213C>T, p.Ser71= (NM_021131.5, NM_178001.3, NM_178003.3); c.129+2525C>T (NM_001271832.2).
Identifiers: ClinVar variation 715482 (VCV000715482.7), dbSNP rs147044679, ClinGen allele CA5276063.
Genomic context (GRCh38, chr9:129,123,135, plus strand): 5'-CATCCTTACCCTCAACGAAGGTGTGAAGGGGAAGAAGCTGACCTTCGAGTACAGAGTCTC[C>T]GAGGTAGGCCCAAGGAGGAGCTGCTGCAGCAGCCTTTCCAAAAATAGCTCCAGAGTCACT-3'
Protein context (NP_821067.1, residues 61-81): GKKLTFEYRV[Ser71=]EAIEKLVALL

ClinVar aggregate classification (germline): Benign/Likely benign. Review status: criteria provided, multiple submitters, no conflicts (2 of 4 stars). 2 submissions from 2 submitters: Benign (1); Likely benign (1). Last evaluated 2026-01-01.

Allele frequency attached by ClinVar (database versions not stated): gnomAD exomes 0.00041 and 0.00097; ExAC 0.00121; gnomAD 0.00320 and 0.00341; TOPMed 0.00362; 1000 Genomes Project 30x 0.00390; ESP Exome Variant Server 0.00415; 1000 Genomes Project 0.00459.
gnomAD v4.1: 1,086 of 1,605,476 alleles (0.068%); highest among the groups gnomAD compares: African/African-American, 1.2%; 4 homozygotes.

Submissions (2):

CeGaT Center for Human Genetics Tuebingen
Classification: Likely benign. Last evaluated: 2026-01-01. Review status: criteria provided, single submitter. Criteria: CeGaT Center For Human Genetics Tuebingen Variant Classification Criteria Version 2. Collection method: clinical testing. Allele origin: germline. Affected: yes. Observed: 1 variant allele.
Comment: PTPA: BP4, BP7, BS1

Labcorp Genetics (formerly Invitae), Labcorp
Classification: Benign. Last evaluated: 2018-06-01. Review status: criteria provided, single submitter. Criteria: Invitae Variant Classification Sherloc (09022015). Collection method: clinical testing. Allele origin: germline.